The following is an entry in ClinVar:

NM_000751.3(CHRND):c.1371+7G>T

Gene: CHRND (cholinergic receptor nicotinic delta subunit; plus strand). Cytogenetic location: 2q37.1.
Variant type: single nucleotide variant.
Coding change: c.1371+7G>T on transcript NM_000751.3 (MANE Select); 7 bases into the intron after coding-DNA position 1371, G replaced by T.
Molecular consequence: intron variant.
Genome position (GRCh38, 1-based): chr2:232,534,349, G>T. VCF-style: chr2-232534349-G-T. GRCh37 (hg19) VCF-style: chr2-233399059-G-T.
Other names: p.?; c.789+7G>T (NM_001311195.2); c.1068+7G>T (NM_001311196.2); c.1326+7G>T (NM_001256657.2).
Identifiers: ClinVar variation 210729 (VCV000210729.44), dbSNP rs188395796, ClinGen allele CA208740.
Genomic context (GRCh38, chr2:232,534,349, plus strand): 5'-GATGGGGCAAACTTCATTGTTAACCACATGAGGGACCAGAACAATTACAATGAGGTAAGG[G>T]ACCACAGGATTGCCATGTACAGGTGTTCAAGTAGGGCACTGATTAAGTGTATTCTATCTT-3'

ClinVar aggregate classification (germline): Benign/Likely benign. Review status: criteria provided, multiple submitters, no conflicts (2 of 4 stars). 6 submissions from 6 submitters: Benign (5); Likely benign (1). Last evaluated 2026-01-12.

Conditions:
Lethal multiple pterygium syndrome (LMPS). Identifiers: Orphanet 33108, MedGen C1854678, MONDO:0009668, OMIM 253290.

Allele frequency attached by ClinVar (database versions not stated): gnomAD 0.00350 and 0.00334; TOPMed 0.00396; 1000 Genomes Project 0.00399; 1000 Genomes Project 30x 0.00468; gnomAD exomes 0.00093; ExAC 0.00106; ESP Exome Variant Server 0.00331.
gnomAD v4.1: 1,228 of 1,612,874 alleles (0.076%); highest among the groups gnomAD compares: African/African-American, 1.1%; 3 homozygotes.

Submissions (7):

Labcorp Genetics (formerly Invitae), Labcorp
Classification: Benign for Lethal multiple pterygium syndrome. Last evaluated: 2026-01-12. Review status: criteria provided, single submitter. Criteria: Invitae Variant Classification Sherloc (09022015). Collection method: clinical testing. Allele origin: germline.

Mayo Clinic Laboratories, Mayo Clinic
Classification: Benign. Last evaluated: 2024-12-30. Review status: criteria provided, single submitter. Criteria: ACMG Guidelines, 2015. Collection method: clinical testing. Allele origin: germline. Observed: 1 variant allele.
Comment: BA1, BP4, BP7

Blueprint Genetics
Classification: Likely benign. Last evaluated: 2024-11-25. Review status: criteria provided, single submitter. Criteria: ACMG Guidelines, 2015. Collection method: clinical testing. Allele origin: germline.

CeGaT Center for Human Genetics Tuebingen
Classification: Benign. Last evaluated: 2023-01-01. Review status: criteria provided, single submitter. Criteria: CeGaT Center For Human Genetics Tuebingen Variant Classification Criteria Version 2. Collection method: clinical testing. Allele origin: germline. Affected: yes. Observed: 1 variant allele.
Comment: CHRND: BP4, BS1, BS2

Genetic Services Laboratory, University of Chicago
Classification: Benign. Last evaluated: 2016-02-03. Review status: criteria provided, single submitter. Criteria: ACMG Guidelines, 2015. Collection method: clinical testing. Allele origin: germline. Affected: no.

Breakthrough Genomics
Classification: Benign. Review status: criteria provided, single submitter. Criteria: ACMG Guidelines, 2015. Collection method: not provided. Allele origin: germline. Inheritance: Autosomal recessive inheritance. Affected: yes.

Dr. Peter K. Rogan Lab, Western University
No classification provided (evidence only). Condition: Familial cancer of breast. Review status: no classification provided. Collection method: in vitro. Allele origin: not applicable. Functional consequence: retained intron. Not counted in ClinVar's aggregate classification.